The following is an entry in ClinVar:

ClinVar aggregate classification (germline): Uncertain significance (1 of 4 stars; one submission).

Allele frequency attached by ClinVar (database versions not stated): ExAC 0.00002; ESP Exome Variant Server 0.00008; gnomAD exomes 0.00020.
gnomAD v4.1: 298 of 1,613,568 alleles (0.018%); highest among the groups gnomAD compares: Non-Finnish European, 0.025%; no homozygotes.

Submission:

Labcorp Genetics (formerly Invitae), Labcorp
Classification: Uncertain significance. Last evaluated: 2022-07-17. Review status: criteria provided, single submitter. Criteria: Invitae Variant Classification Sherloc (09022015). Collection method: clinical testing. Allele origin: germline.
Comment: This sequence change replaces arginine, which is basic and polar, with cysteine, which is neutral and slightly polar, at codon 1375 of the COL27A1 protein (p.Arg1375Cys). This variant is present in population databases (rs367706340, gnomAD 0.006%). This variant has not been reported in the literature in individuals affected with COL27A1-related conditions. Advanced modeling of protein sequence and biophysical properties (such as structural, functional, and spatial information, amino acid conservation, physicochemical variation, residue mobility, and thermodynamic stability) performed at Invitae indicates that this missense variant is not expected to disrupt COL27A1 protein function. In summary, the available evidence is currently insufficient to determine the role of this variant in disease. Therefore, it has been classified as a Variant of Uncertain Significance.

NM_032888.4(COL27A1):c.4123C>T (p.Arg1375Cys)

Genes: COL27A1 (collagen type XXVII alpha 1 chain; plus strand), LOC126860736 (MED14-independent group 3 enhancer GRCh37_chr9:117050487-117051686; plus strand). Cytogenetic location: 9q32.
Variant type: single nucleotide variant.
Coding change: c.4123C>T on transcript NM_032888.4 (MANE Select); coding-DNA position 4123, C replaced by T.
Protein change: p.Arg1375Cys; replaces arginine 1375 with cysteine.
Molecular consequence: missense variant.
Genome position (GRCh38, 1-based): chr9:114,288,938, C>T. VCF-style: chr9-114288938-C-T. GRCh37 (hg19) VCF-style: chr9-117051218-C-T.
Other names: short protein forms R1375C.
Identifiers: ClinVar variation 2147861 (VCV002147861.1), dbSNP rs367706340, ClinGen allele CA5202805.